The following is an entry in ClinVar:

ClinVar aggregate classification (germline): Pathogenic. Review status: criteria provided, multiple submitters, no conflicts (2 of 4 stars). 2 submissions from 2 submitters: Pathogenic (2). Last evaluated 2026-05-28.

Conditions:
Retinitis pigmentosa 54 (RP54). Identifiers: Orphanet 791, MedGen C3150691, MONDO:0013263, OMIM 613428.

Submissions (2):

Farin Genetics Laboratory
Classification: Pathogenic for Retinitis pigmentosa 54. Last evaluated: 2026-05-28. Review status: criteria provided, single submitter. Criteria: ACMG Guidelines, 2015. Collection method: clinical testing. Allele origin: germline. Inheritance: Autosomal recessive inheritance. Affected: yes. Observed: 4 variant alleles, 4 homozygotes. Clinical features observed: Rod-cone dystrophy (HP:0000510).
Comment: This homozygous frameshift variant in PCARE/C2ORF71 was identified in affected individual(s) with autosomal recessive PCARE-associated retinopathy/retinitis pigmentosa 54. The variant is predicted to alter the reading frame and introduce a premature termination codon, consistent with a loss-of-function mechanism. Classification was performed according to ACMG/AMP 2015 criteria, considering predicted loss of function, rarity in population databases, recessive inheritance, and consistency of the retinal phenotype with PCARE-associated disease.

Labcorp Genetics (formerly Invitae), Labcorp
Classification: Pathogenic. Last evaluated: 2025-04-16. Review status: criteria provided, single submitter. Criteria: Invitae Variant Classification Sherloc (09022015). Collection method: clinical testing. Allele origin: germline.
Comment: This sequence change creates a premature translational stop signal (p.Glu597Argfs*147) in the PCARE gene. It is expected to result in an absent or disrupted protein product. Loss-of-function variants in PCARE are known to be pathogenic (PMID: 20398886, 24339724, 26496393). This variant is present in population databases (rs766609529, gnomAD 0.007%). This variant has not been reported in the literature in individuals affected with PCARE-related conditions. ClinVar contains an entry for this variant (Variation ID: 934418). For these reasons, this variant has been classified as Pathogenic.

Literature cited by the submitters: PubMed 24339724 (cited by Farin Genetics Laboratory and Labcorp Genetics (formerly Invitae), Labcorp); PubMed 20398886 (cited by Farin Genetics Laboratory and Labcorp Genetics (formerly Invitae), Labcorp); PubMed 26496393 (cited by Farin Genetics Laboratory and Labcorp Genetics (formerly Invitae), Labcorp).

NM_001029883.3(PCARE):c.1786_1789del (p.Glu597fs)

Gene: PCARE (photoreceptor cilium actin regulator; minus strand). Cytogenetic location: 2p23.2.
Variant type: Deletion.
Coding change: c.1786_1789del on transcript NM_001029883.3 (MANE Select); coding-DNA positions 1786 to 1789, 4 bases deleted (TCAG; older notation c.1786_1789delTCAG).
Protein change: p.Glu597fs; shifts the reading frame from glutamic acid 597.
Molecular consequence: frameshift variant.
Genome position (GRCh38, 1-based): chr2:29,072,473-29,072,476, CTGA deleted on the plus strand (TCAG on the coding strand, the reverse complement: PCARE is on the minus strand); deleting any 4 consecutive bases within chr2:29,072,473-29,072,479 gives the same sequence; the c. name uses the placement nearest the transcript's 3' end. VCF-style (leftmost placement, unchanged base first): chr2-29072472-TCTGA-T. GRCh37 (hg19) VCF-style: chr2-29295338-TCTGA-T.
Other names: p.(Glu597ArgfsTer147); short protein forms E597fs.
Identifiers: ClinVar variation 934418 (VCV000934418.8), dbSNP rs766609529, ClinGen allele CA1592354.